The following is an entry in ClinVar:

ClinVar aggregate classification (germline): Uncertain significance. Review status: criteria provided, multiple submitters, no conflicts (2 of 4 stars). 2 submissions from 2 submitters: Uncertain significance (2). Last evaluated 2022-06-12.

Conditions:
Brown-Vialetto-van Laere syndrome 2. Also called: SPINOCEREBELLAR ATAXIA WITH BLINDNESS AND DEAFNESS 2; Riboflavin transporter deficiency type 2. Identifiers: Orphanet 572543, Orphanet 97229, MedGen C3553538, MONDO:0013867, OMIM 614707.

Allele frequency attached by ClinVar (database versions not stated): TOPMed 0.00001; gnomAD 0.00001.

Submissions (2):

GeneDx
Classification: Uncertain significance. Last evaluated: 2022-06-12. Review status: criteria provided, single submitter. Criteria: GeneDx Variant Classification Process June 2021. Collection method: clinical testing. Allele origin: germline. Affected: yes.
Comment: In silico analysis supports that this missense variant does not alter protein structure/function; Not observed at significant frequency in large population cohorts (gnomAD); Has not been previously published as pathogenic or benign to our knowledge

Labcorp Genetics (formerly Invitae), Labcorp
Classification: Uncertain significance for Brown-Vialetto-van Laere syndrome 2. Last evaluated: 2021-09-23. Review status: criteria provided, single submitter. Criteria: Invitae Variant Classification Sherloc (09022015). Collection method: clinical testing. Allele origin: germline.
Comment: This sequence change replaces histidine with arginine at codon 101 of the SLC52A2 protein (p.His101Arg). The histidine residue is moderately conserved and there is a small physicochemical difference between histidine and arginine. This variant is not present in population databases (ExAC no frequency). This variant has not been reported in the literature in individuals affected with SLC52A2-related conditions. Algorithms developed to predict the effect of missense changes on protein structure and function output the following: SIFT: "Tolerated"; PolyPhen-2: "Benign"; Align-GVGD: "Class C0". The arginine amino acid residue is found in multiple mammalian species, which suggests that this missense change does not adversely affect protein function. In summary, the available evidence is currently insufficient to determine the role of this variant in disease. Therefore, it has been classified as a Variant of Uncertain Significance.

NM_001363118.2(SLC52A2):c.302A>G (p.His101Arg)

Gene: SLC52A2 (solute carrier family 52 member 2; plus strand). Cytogenetic location: 8q24.3.
Variant type: single nucleotide variant.
Coding change: c.302A>G on transcript NM_001363118.2 (MANE Select); coding-DNA position 302, A replaced by G.
Protein change: p.His101Arg; replaces histidine 101 with arginine.
Molecular consequence: missense variant. On other transcripts: non-coding transcript variant (1), intron variant (1).
Genome position (GRCh38, 1-based): chr8:144,359,794, A>G. VCF-style: chr8-144359794-A-G. GRCh37 (hg19) VCF-style: chr8-145583454-A-G.
Other names: c.302A>G, p.His101Arg (NM_001253815.2, NM_001253816.2, NM_001363120.2 and 2 more transcripts); c.131-321A>G (NM_001363122.2); short protein forms H101R.
Identifiers: ClinVar variation 642807 (VCV000642807.6), dbSNP rs1302129336, ClinGen allele CA372626764.